The following is an entry in ClinVar:

NM_001134407.3(GRIN2A):c.2723C>A (p.Ser908Tyr)

Gene: GRIN2A (glutamate ionotropic receptor NMDA type subunit 2A; minus strand). Cytogenetic location: 16p13.2.
Variant type: single nucleotide variant.
Coding change: c.2723C>A on transcript NM_001134407.3 (MANE Select); coding-DNA position 2723, C replaced by A.
Protein change: p.Ser908Tyr; replaces serine 908 with tyrosine.
Molecular consequence: missense variant.
Genome position (GRCh38, 1-based): chr16:9,764,821, G>T on the plus strand (C>A on the coding strand, the complement: GRIN2A is on the minus strand). VCF-style: chr16-9764821-G-T. GRCh37 (hg19) VCF-style: chr16-9858678-G-T.
Other names: c.2723C>A, p.Ser908Tyr (NM_000833.5, NM_001134408.2); short protein forms S908Y.
Identifiers: ClinVar variation 3342548 (VCV003342548.3).
Genomic context (GRCh38, chr16:9,764,821, plus strand): 5'-CCTCTTTGGATGAAGTCAGCAGCTCTTTTGGGTGAGTCCATTCTTGAGGAGTTCATGTTG[G>T]ACATGCTGGAAATGTTTTTGGCTGACCGGAGGAGTTTTAACATGTTGCTCTGGGATCCCG-3'
Protein context (NP_001127879.1, residues 898-918): LRSAKNISSM[Ser908Tyr]NMNSSRMDSP

ClinVar aggregate classification (germline): Uncertain significance. Review status: criteria provided, multiple submitters, no conflicts (2 of 4 stars). 2 submissions from 2 submitters: Uncertain significance (2). Last evaluated 2026-06-29.

Conditions:
Inborn genetic diseases. Identifiers: MedGen C0950123, MeSH D030342.

gnomAD v4.1: 1 of 1,614,170 alleles (0.000062%); highest among the groups gnomAD compares: Non-Finnish European, 0.000085%; no homozygotes.

Submissions (2):

GeneDx
Classification: Uncertain significance. Last evaluated: 2026-06-29. Review status: criteria provided, single submitter. Criteria: GeneDx Variant Classification Process June 2021. Collection method: clinical testing. Allele origin: germline.
Comment: Not observed at significant frequency in large population cohorts (gnomAD); In silico analysis supports that this missense variant has a deleterious effect on protein structure/function; Has not been previously published as pathogenic or benign to our knowledge

Ambry Genetics
Classification: Uncertain significance for Inborn genetic diseases. Last evaluated: 2025-01-21. Review status: criteria provided, single submitter. Criteria: Ambry Variant Classification Scheme 2023. Collection method: clinical testing. Allele origin: germline.